The following is an entry in ClinVar:

ClinVar aggregate classification (germline): Uncertain significance. Review status: criteria provided, multiple submitters, no conflicts (2 of 4 stars). 2 submissions from 2 submitters: Uncertain significance (2). Last evaluated 2025-12-08.

Conditions:
Leber congenital amaurosis 12 (LCA12). Identifiers: Orphanet 65, MedGen C1857743, MONDO:0012525, OMIM 610612.

Allele frequency attached by ClinVar (database versions not stated): gnomAD exomes below 0.00001 and 0.00001; ExAC 0.00001.
gnomAD v4.1: 3 of 1,614,238 alleles (0.00019%); highest among the groups gnomAD compares: East Asian, 0.0022%; no homozygotes.

Submissions (2):

Labcorp Genetics (formerly Invitae), Labcorp
Classification: Uncertain significance for Leber congenital amaurosis 12. Last evaluated: 2025-12-08. Review status: criteria provided, single submitter. Criteria: Invitae Variant Classification Sherloc (09022015). Collection method: clinical testing. Allele origin: germline.
Comment: This sequence change replaces isoleucine, which is neutral and non-polar, with threonine, which is neutral and polar, at codon 76 of the RD3 protein (p.Ile76Thr). This variant is present in population databases (rs752858252, gnomAD 0.01%). This variant has not been reported in the literature in individuals affected with RD3-related conditions. ClinVar contains an entry for this variant (Variation ID: 295259). An algorithm developed to predict the effect of missense changes on protein structure and function (PolyPhen-2) suggests that this variant is likely to be tolerated. In summary, the available evidence is currently insufficient to determine the role of this variant in disease. Therefore, it has been classified as a Variant of Uncertain Significance.

Illumina Laboratory Services, Illumina
Classification: Uncertain significance for Leber congenital amaurosis 12. Last evaluated: 2018-01-13. Review status: criteria provided, single submitter. Criteria: ICSL Variant Classification Criteria 13 December 2019. Collection method: clinical testing. Allele origin: germline.

NM_001164688.2(RD3):c.227T>C (p.Ile76Thr)

Gene: RD3 (RD3 regulator of GUCY2D; minus strand). Cytogenetic location: 1q32.3.
Variant type: single nucleotide variant.
Coding change: c.227T>C on transcript NM_001164688.2 (MANE Select); coding-DNA position 227, T replaced by C.
Protein change: p.Ile76Thr; replaces isoleucine 76 with threonine.
Molecular consequence: missense variant.
Genome position (GRCh38, 1-based): chr1:211,481,189, A>G on the plus strand (T>C on the coding strand, the complement: RD3 is on the minus strand). VCF-style: chr1-211481189-A-G. GRCh37 (hg19) VCF-style: chr1-211654531-A-G.
Other names: c.227T>C, p.Ile76Thr (NM_183059.3); short protein forms I76T.
Identifiers: ClinVar variation 295259 (VCV000295259.10), dbSNP rs752858252, ClinGen allele CA1381122.
Genomic context (GRCh38, chr1:211,481,189, plus strand): 5'-GCAGGCCCACAATAGGATGGGTGGATCTTAACGCAGACATCTTCCAGCTGCAACCGCTCA[A>G]TGGGGCTGAGGTCATAGGTGGACCGGGGTGTGCTGGCCAGCCAGCTGTAGTCCACACCGG-3'
Protein context (NP_001158160.1, residues 66-86): TPRSTYDLSP[Ile76Thr]ERLQLEDVCV